The following is an entry in ClinVar:

NM_001903.5(CTNNA1):c.468+2dup

Gene: CTNNA1 (catenin alpha 1; plus strand). Cytogenetic location: 5q31.2.
Variant type: Duplication.
Coding change: c.468+2dup on transcript NM_001903.5 (MANE Select); the canonical splice donor site of the intron after coding-DNA position 468, one base duplicated (T; older notation c.468+2dupT).
Molecular consequence: splice donor variant.
Genome position (GRCh38, 1-based): chr5:138,810,206, T duplicated. VCF-style (leftmost placement, unchanged base first): chr5-138810205-G-GT. GRCh37 (hg19) VCF-style: chr5-138145894-G-GT.
Other names: c.468+2dup (NM_001323982.2, NM_001323984.2, NM_001290307.3 and 3 more transcripts); c.99+2dup (NM_001290310.3); c.159+2dup (NM_001290309.3).
Identifiers: ClinVar variation 864031 (VCV000864031.7), dbSNP rs1758534590, ClinGen allele CA916082782.

ClinVar aggregate classification (germline): Uncertain significance (1 of 4 stars; one submission).

Submission:

Labcorp Genetics (formerly Invitae), Labcorp
Classification: Uncertain significance. Last evaluated: 2025-06-16. Review status: criteria provided, single submitter. Criteria: Invitae Variant Classification Sherloc (09022015). Collection method: clinical testing. Allele origin: germline.
Comment: This sequence change falls in intron 4 of the CTNNA1 gene. It does not directly change the encoded amino acid sequence of the CTNNA1 protein. It affects a nucleotide within the consensus splice site. This variant is not present in population databases (gnomAD no frequency). This variant has not been reported in the literature in individuals affected with CTNNA1-related conditions. ClinVar contains an entry for this variant (Variation ID: 864031). Variants that disrupt the consensus splice site are a relatively common cause of aberrant splicing (PMID: 17576681, 9536098). Algorithms developed to predict the effect of sequence changes on RNA splicing suggest that this variant may disrupt the consensus splice site. In summary, the available evidence is currently insufficient to determine the role of this variant in disease. Therefore, it has been classified as a Variant of Uncertain Significance.

Literature cited by the submitters: PubMed 17576681; PubMed 9536098.